The following is an entry in ClinVar:

NM_001039141.3(TRIOBP):c.1940G>A (p.Ser647Asn)

Gene: TRIOBP (TRIO and F-actin binding protein; plus strand). Cytogenetic location: 22q13.1.
Variant type: single nucleotide variant.
Coding change: c.1940G>A on transcript NM_001039141.3 (MANE Select); coding-DNA position 1940, G replaced by A.
Protein change: p.Ser647Asn; replaces serine 647 with asparagine.
Molecular consequence: missense variant.
Genome position (GRCh38, 1-based): chr22:37,724,496, G>A. VCF-style: chr22-37724496-G-A. GRCh37 (hg19) VCF-style: chr22-38120503-G-A.
Other names: short protein forms S647N.
Identifiers: ClinVar variation 3053596 (VCV003053596.2), dbSNP rs1385846664, ClinGen allele CA10223737.

ClinVar aggregate classification (germline): Benign (0 of 4 stars; one submission).

Conditions:
TRIOBP-related disorder. Also called: TRIOBP-related condition.

Submission:

PreventionGenetics, part of Exact Sciences
Classification: Benign for TRIOBP-related condition. Last evaluated: 2019-08-26. Review status: no assertion criteria provided. Collection method: clinical testing. Allele origin: germline.
Comment: This variant is classified as benign based on ACMG/AMP sequence variant interpretation guidelines (Richards et al. 2015 PMID: 25741868, with internal and published modifications).